The following is an entry in ClinVar:

NM_002968.3(SALL1):c.424G>A (p.Gly142Ser)

Gene: SALL1 (spalt like transcription factor 1; minus strand). Cytogenetic location: 16q12.1.
Variant type: single nucleotide variant.
Coding change: c.424G>A on transcript NM_002968.3 (MANE Select); coding-DNA position 424, G replaced by A.
Protein change: p.Gly142Ser; replaces glycine 142 with serine.
Molecular consequence: missense variant.
Genome position (GRCh38, 1-based): chr16:51,141,798, C>T on the plus strand (G>A on the coding strand, the complement: SALL1 is on the minus strand). VCF-style: chr16-51141798-C-T. GRCh37 (hg19) VCF-style: chr16-51175709-C-T.
Other names: c.133G>A, p.Gly45Ser (NM_001127892.2); short protein forms G45S, G142S.
Identifiers: ClinVar variation 854286 (VCV000854286.10), dbSNP rs553871743, ClinGen allele CA8053486.
Genomic context (GRCh38, chr16:51,141,798, plus strand): 5'-CGCCGCCGCTGCTGCTGCTGCTGCTGCTGCTGCTGCTTGGGGCGGTACTGCTGTGGCTGC[C>T]GCTGGAAGTGCCGCTGCCGCTTTTGTTAGCAACCGGGGCCTCCACCTCCATGGACTCTTC-3'
Protein context (NP_002959.2, residues 132-152): ANKSGSGTSS[Gly142Ser]SHSSTAPSSS

ClinVar aggregate classification (germline): Uncertain significance (1 of 4 stars; one submission).

Conditions:
Townes syndrome (TBS). Also called: Townes-Brocks syndrome. Identifiers: Orphanet 857, MedGen C0265246, MeSH C536974, MONDO:0007142.

gnomAD v4.1: 14 of 1,613,536 alleles (0.00087%); highest among the groups gnomAD compares: Admixed American, 0.0017%; no homozygotes.

Submission:

Labcorp Genetics (formerly Invitae), Labcorp
Classification: Uncertain significance for Townes syndrome. Last evaluated: 2019-12-30. Review status: criteria provided, single submitter. Criteria: Invitae Variant Classification Sherloc (09022015). Collection method: clinical testing. Allele origin: germline.
Comment: In summary, the available evidence is currently insufficient to determine the role of this variant in disease. Therefore, it has been classified as a Variant of Uncertain Significance. Algorithms developed to predict the effect of missense changes on protein structure and function output the following: SIFT: "Tolerated"; PolyPhen-2: "Benign"; Align-GVGD: "Class C0". The serine amino acid residue is found in multiple mammalian species, suggesting that this missense change does not adversely affect protein function. These predictions have not been confirmed by published functional studies and their clinical significance is uncertain. This variant has not been reported in the literature in individuals with SALL1-related conditions. This variant is present in population databases (rs553871743, ExAC 0.01%). This sequence change replaces glycine with serine at codon 142 of the SALL1 protein (p.Gly142Ser). The glycine residue is weakly conserved and there is a small physicochemical difference between glycine and serine.